The following is an entry in ClinVar:

NM_004656.4(BAP1):c.1891-1G>A

Gene: BAP1 (BRCA1 associated deubiquitinase 1; minus strand). Cytogenetic location: 3p21.1.
Variant type: single nucleotide variant.
Coding change: c.1891-1G>A on transcript NM_004656.4 (MANE Select); the canonical splice acceptor site of the intron before coding-DNA position 1891, G replaced by A.
Molecular consequence: splice acceptor variant.
Genome position (GRCh38, 1-based): chr3:52,402,872, C>T on the plus strand (G>A on the coding strand, the complement: BAP1 is on the minus strand). VCF-style: chr3-52402872-C-T. GRCh37 (hg19) VCF-style: chr3-52436888-C-T.
Other names: c.1837-1G>A (NM_001410772.1).
Identifiers: ClinVar variation 838659 (VCV000838659.17), dbSNP rs1705011794, ClinGen allele CA353097006.
Genomic context (GRCh38, chr3:52,402,872, plus strand): 5'-GAGGCACGCCTCATAGTTTGCAATCTCAGCCTCCACACACTTCAGCAGTGCCAGCAGCTC[C>T]TGCCAAAACCCAGCATTGCACCTCTGATCGGGGCGGGCCAGCAACAAAGCCCCACGAGCA-3'

ClinVar aggregate classification (germline): Conflicting classifications of pathogenicity. Review status: criteria provided, conflicting classifications (1 of 4 stars). 4 submissions from 4 submitters: Pathogenic (2); Likely pathogenic (1); Uncertain significance (1). Last evaluated 2026-01-07.

Conditions:
BAP1-related tumor predisposition syndrome (TPDS1). Also called: BAP1 tumor predisposition syndrome; COMMON Syndrome; TUMOR PREDISPOSITION SYNDROME 1; Tumor susceptibility linked to germline BAP1 mutations. Identifiers: Orphanet 289539, MedGen C3280492, MONDO:0013692, OMIM 614327.
Hereditary cancer-predisposing syndrome. Also called: Hereditary Cancer Syndrome; Tumor predisposition; Neoplastic Syndromes, Hereditary; Hereditary neoplastic syndrome. Identifiers: Orphanet 140162, MedGen C0027672, MeSH D009386, MONDO:0015356.

Submissions (4):

Ambry Genetics
Classification: Uncertain significance for Hereditary cancer-predisposing syndrome. Last evaluated: 2026-01-07. Review status: criteria provided, single submitter. Criteria: Ambry Variant Classification Scheme 2023. Collection method: clinical testing. Allele origin: germline.
Comment: The c.1891-1G>A intronic variant results from a G to A substitution one nucleotide upstream from coding exon 15 of the BAP1 gene. This alteration has been identified in 1/150 individuals diagnosed with malignant mesothelioma and a family history of cancer (Ohar JA et al. Cancer Res., 2016 Jan;76:206-15). In a high throughput genome editing haploid cell survival functional assay, the functional impact of this variant was inconclusive per our internal thresholds (Waters AJ et al. Nat Genet, 2024 Jul;56:1434-1445). This nucleotide position is highly conserved in available vertebrate species. In silico splice site analysis predicts that this alteration will weaken the native splice acceptor site. Alterations that disrupt the canonical splice site are expected to cause aberrant splicing; however, this alteration leads to the use of a naturally occurring alternate splice acceptor site leading to the in-frame insertion of 23 amino acids with unknown function (Ambry internal data). Based on the available evidence, the clinical significance of this variant remains unclear.

Baylor Genetics
Classification: Pathogenic for BAP1-related tumor predisposition syndrome. Last evaluated: 2023-01-16. Review status: criteria provided, single submitter. Criteria: ACMG Guidelines, 2015. Collection method: clinical testing. Allele origin: unknown.

Color Diagnostics, LLC DBA Color Health
Classification: Likely pathogenic for Hereditary cancer-predisposing syndrome. Last evaluated: 2022-09-22. Review status: criteria provided, single submitter. Criteria: ACMG Guidelines, 2015. Collection method: clinical testing. Allele origin: germline.
Comment: This variant causes a G to A nucleotide substitution at the canonical -1 position of intron 14 of the BAP1 gene. Splice site prediction tools suggest that this canonical splice site variant may have a significant impact on RNA splicing. A mini-gene splice study has reported that this variant results in the retention of a portion of intron 14 sequence in the mRNA from the use of an alternative, cryptic splice site within intron 14, and this was predicted to cause a frameshift and premature truncation of the translated BAP1 protein (PMID: 26719535). This variant has not been identified in the general population by the Genome Aggregation Database (gnomAD). Loss of BAP1 function is a known mechanism of disease. Based on the available evidence, this variant is classified as Likely Pathogenic.

Labcorp Genetics (formerly Invitae), Labcorp
Classification: Pathogenic for BAP1-related tumor predisposition syndrome. Last evaluated: 2022-07-18. Review status: criteria provided, single submitter. Criteria: Invitae Variant Classification Sherloc (09022015). Collection method: clinical testing. Allele origin: germline.
Comment: For these reasons, this variant has been classified as Pathogenic. Studies have shown that disruption of this splice site alters mRNA splicing and is expected to lead to the loss of protein expression (PMID: 26719535). ClinVar contains an entry for this variant (Variation ID: 838659). Disruption of this splice site has been observed in individual(s) with malignant mesothelioma (PMID: 26719535). This variant is not present in population databases (gnomAD no frequency). This sequence change affects an acceptor splice site in intron 14 of the BAP1 gene. It is expected to disrupt RNA splicing. Variants that disrupt the donor or acceptor splice site typically lead to a loss of protein function (PMID: 16199547), and loss-of-function variants in BAP1 are known to be pathogenic (PMID: 21874000, 23684012).

Literature cited by the submitters: PubMed 26719535 (cited by 3 submitters); PubMed 38969833 (cited by Ambry Genetics); PubMed 16199547 (cited by Labcorp Genetics (formerly Invitae), Labcorp); PubMed 21874000 (cited by Labcorp Genetics (formerly Invitae), Labcorp); PubMed 23684012 (cited by Labcorp Genetics (formerly Invitae), Labcorp).